The following is an entry in ClinVar:

ClinVar aggregate classification (germline): Uncertain significance (0 of 4 stars; one submission).

Conditions:
BBS2-related disorder. Also called: BBS2-related condition; BBS2-related disorders. Identifiers: MedGen CN239228.

Allele frequency attached by ClinVar (database versions not stated): gnomAD exomes below 0.00001; gnomAD 0.00001.
gnomAD v4.1: 6 of 1,614,122 alleles (0.00037%); highest among the groups gnomAD compares: Non-Finnish European, 0.00051%; no homozygotes.

Submission:

PreventionGenetics, part of Exact Sciences
Classification: Uncertain significance for BBS2-related condition. Last evaluated: 2024-09-23. Review status: no assertion criteria provided. Collection method: clinical testing. Allele origin: germline.
Comment: The BBS2 c.994A>T variant is predicted to result in the amino acid substitution p.Ser332Cys. To our knowledge, this variant has not been reported in the literature. This variant is reported in 0.0018% of alleles in individuals of European (Non-Finnish) descent in gnomAD. At this time, the clinical significance of this variant is uncertain due to the absence of conclusive functional and genetic evidence.

NM_031885.5(BBS2):c.994A>T (p.Ser332Cys)

Gene: BBS2 (Bardet-Biedl syndrome 2; minus strand). Cytogenetic location: 16q13.
Variant type: single nucleotide variant.
Coding change: c.994A>T on transcript NM_031885.5 (MANE Select); coding-DNA position 994, A replaced by T.
Protein change: p.Ser332Cys; replaces serine 332 with cysteine.
Molecular consequence: missense variant. On other transcripts: non-coding transcript variant (5).
Genome position (GRCh38, 1-based): chr16:56,502,403, T>A on the plus strand (A>T on the coding strand, the complement: BBS2 is on the minus strand). VCF-style: chr16-56502403-T-A. GRCh37 (hg19) VCF-style: chr16-56536315-T-A.
Other names: c.994A>T, p.Ser332Cys (NM_001377456.1); short protein forms S332C.
Identifiers: ClinVar variation 2628515 (VCV002628515.2), dbSNP rs576081735, ClinGen allele CA281481226.